The following is an entry in ClinVar:

ClinVar aggregate classification (germline): Conflicting classifications of pathogenicity. Review status: criteria provided, conflicting classifications (1 of 4 stars). 2 submissions from 2 submitters: Likely pathogenic (1); Uncertain significance (1). Last evaluated 2025-05-19.

Conditions:
CARS2-related disorder. Also called: CARS2-related condition.
Combined oxidative phosphorylation defect type 27. Also called: Combined oxidative phosphorylation deficiency 27. Identifiers: Orphanet 477774, MedGen C5567608, MONDO:0014728, OMIM 616672.

Allele frequency attached by ClinVar (database versions not stated): TOPMed 0.00002.
gnomAD v4.1: 50 of 1,607,374 alleles (0.0031%); highest among the groups gnomAD compares: East Asian, 0.009%; no homozygotes.

Submissions (2):

Labcorp Genetics (formerly Invitae), Labcorp
Classification: Uncertain significance for Combined oxidative phosphorylation defect type 27. Last evaluated: 2025-05-19. Review status: criteria provided, single submitter. Criteria: Invitae Variant Classification Sherloc (09022015). Collection method: clinical testing. Allele origin: germline.
Comment: This sequence change replaces arginine, which is basic and polar, with glutamine, which is neutral and polar, at codon 498 of the CARS2 protein (p.Arg498Gln). This variant is present in population databases (rs778546592, gnomAD 0.01%). This variant has not been reported in the literature in individuals affected with CARS2-related conditions. ClinVar contains an entry for this variant (Variation ID: 968715). Invitae Evidence Modeling of protein sequence and biophysical properties (such as structural, functional, and spatial information, amino acid conservation, physicochemical variation, residue mobility, and thermodynamic stability) indicates that this missense variant is not expected to disrupt CARS2 protein function with a negative predictive value of 80%. In summary, the available evidence is currently insufficient to determine the role of this variant in disease. Therefore, it has been classified as a Variant of Uncertain Significance.

Blueprint Genetics
Classification: Likely pathogenic for CARS2-related disorders. Last evaluated: 2023-11-07. Review status: criteria provided, single submitter. Criteria: ACMG Guidelines, 2015. Collection method: clinical testing. Allele origin: germline. Affected: yes. Observed: 5 variant alleles.

NM_024537.4(CARS2):c.1493G>A (p.Arg498Gln)

Gene: CARS2 (cysteinyl-tRNA synthetase 2, mitochondrial; minus strand). Cytogenetic location: 13q34.
Variant type: single nucleotide variant.
Coding change: c.1493G>A on transcript NM_024537.4 (MANE Select); coding-DNA position 1493, G replaced by A.
Protein change: p.Arg498Gln; replaces arginine 498 with glutamine.
Molecular consequence: missense variant. On other transcripts: non-coding transcript variant (2).
Genome position (GRCh38, 1-based): chr13:110,642,445, C>T on the plus strand (G>A on the coding strand, the complement: CARS2 is on the minus strand). VCF-style: chr13-110642445-C-T. GRCh37 (hg19) VCF-style: chr13-111294792-C-T.
Other names: c.707G>A, p.Arg236Gln (NM_001352252.2); short protein forms R498Q, R236Q.
Identifiers: ClinVar variation 968715 (VCV000968715.6), dbSNP rs778546592, ClinGen allele CA7051630.